The following is an entry in ClinVar:

ClinVar aggregate classification (germline): Uncertain significance (1 of 4 stars; one submission).

Conditions:
Senior-Loken syndrome 7 (SLSN7). Identifiers: Orphanet 3156, MedGen C3150877, MONDO:0013326, OMIM 613615.
Bardet-Biedl syndrome 16 (BBS16). Identifiers: Orphanet 110, MedGen C3889474, MONDO:0014444, OMIM 615993.

Submission:

Labcorp Genetics (formerly Invitae), Labcorp
Classification: Uncertain significance for Bardet-Biedl syndrome 16; Senior-Loken syndrome 7. Last evaluated: 2022-07-30. Review status: criteria provided, single submitter. Criteria: Invitae Variant Classification Sherloc (09022015). Collection method: clinical testing. Allele origin: germline.
Comment: This sequence change replaces glutamic acid, which is acidic and polar, with glycine, which is neutral and non-polar, at codon 23 of the SDCCAG8 protein (p.Glu23Gly). This variant is not present in population databases (gnomAD no frequency). This variant has not been reported in the literature in individuals affected with SDCCAG8-related conditions. ClinVar contains an entry for this variant (Variation ID: 1007622). Algorithms developed to predict the effect of missense changes on protein structure and function are either unavailable or do not agree on the potential impact of this missense change (SIFT: "Tolerated"; PolyPhen-2: "Possibly Damaging"; Align-GVGD: "Class C0"). In summary, the available evidence is currently insufficient to determine the role of this variant in disease. Therefore, it has been classified as a Variant of Uncertain Significance.

NM_006642.5(SDCCAG8):c.68A>G (p.Glu23Gly)

Gene: SDCCAG8 (SHH signaling and ciliogenesis regulator SDCCAG8; plus strand). Cytogenetic location: 1q43.
Variant type: single nucleotide variant.
Coding change: c.68A>G on transcript NM_006642.5 (MANE Select); coding-DNA position 68, A replaced by G.
Protein change: p.Glu23Gly; replaces glutamic acid 23 with glycine.
Molecular consequence: missense variant. On other transcripts: 5 prime UTR variant (4).
Genome position (GRCh38, 1-based): chr1:243,270,105, A>G. VCF-style: chr1-243270105-A-G. GRCh37 (hg19) VCF-style: chr1-243433407-A-G.
Other names: c.-1045A>G (NM_001350246.2); c.-933A>G (NM_001350247.2); c.68A>G, p.Glu23Gly (NM_001350248.2); c.-227A>G (NM_001350249.2); c.-1306A>G (NM_001350251.2); short protein forms E23G.
Identifiers: ClinVar variation 1007622 (VCV001007622.6), dbSNP rs2067967236, ClinGen allele CA345473625.